The following is an entry in ClinVar:

NM_001384474.1(LOXHD1):c.2599-12C>T

Gene: LOXHD1 (lipoxygenase homology PLAT domains 1; minus strand). Cytogenetic location: 18q21.1.
Variant type: single nucleotide variant.
Coding change: c.2599-12C>T on transcript NM_001384474.1 (MANE Select); 12 bases into the intron before coding-DNA position 2599, C replaced by T.
Molecular consequence: intron variant.
Genome position (GRCh38, 1-based): chr18:46,560,557, G>A on the plus strand (C>T on the coding strand, the complement: LOXHD1 is on the minus strand). VCF-style: chr18-46560557-G-A. GRCh37 (hg19) VCF-style: chr18-44140520-G-A.
Other names: c.2599-12C>T (NM_144612.7).
Identifiers: ClinVar variation 1339684 (VCV001339684.11), dbSNP rs892676326, ClinGen allele CA299794651.

ClinVar aggregate classification (germline): Likely benign. Review status: criteria provided, multiple submitters, no conflicts (2 of 4 stars). 2 submissions from 2 submitters: Likely benign (2). Last evaluated 2025-01-08.

Allele frequency attached by ClinVar (database versions not stated): gnomAD exomes 0.00002; TOPMed 0.00006; gnomAD 0.00007.
gnomAD v4.1: 20 of 1,515,886 alleles (0.0013%); highest among the groups gnomAD compares: Admixed American, 0.014%; no homozygotes.

Submissions (2):

Women's Health and Genetics/Laboratory Corporation of America, LabCorp
Classification: Likely benign. Last evaluated: 2025-01-08. Review status: criteria provided, single submitter. Criteria: LabCorp Variant Classification Summary - May 2015. Collection method: clinical testing. Allele origin: germline.
Comment: Variant summary: LOXHD1 c.2599-12C>T alters a non-conserved nucleotide located at a position not widely known to affect splicing. Consensus agreement among computation tools predict no significant impact on normal splicing (TrAP). However, these predictions have yet to be confirmed by functional studies. The variant allele was found at a frequency of 1.6e-05 in 127770 control chromosomes. The available data on variant occurrences in the general population are insufficient to allow any conclusion about variant significance. To our knowledge, no occurrence of c.2599-12C>T in individuals affected with Nonsyndromic Hearing Loss And Deafness, Type 77 and no experimental evidence demonstrating its impact on protein function have been reported. ClinVar contains an entry for this variant (Variation ID: 1339684). Based on the evidence outlined above, the variant was classified as likely benign.

Labcorp Genetics (formerly Invitae), Labcorp
Classification: Likely benign. Last evaluated: 2023-12-24. Review status: criteria provided, single submitter. Criteria: Invitae Variant Classification Sherloc (09022015). Collection method: clinical testing. Allele origin: germline.